The following is an entry in ClinVar:

ClinVar aggregate classification (germline): Uncertain significance (1 of 4 stars; one submission).

Submission:

GeneDx
Classification: Uncertain significance. Last evaluated: 2020-10-13. Review status: criteria provided, single submitter. Criteria: GeneDx Variant Classification Process June 2021. Collection method: clinical testing. Allele origin: germline. Affected: yes.
Comment: Not observed in large population cohorts (Lek et al., 2016); In silico analysis supports that this missense variant does not alter protein structure/function; Has not been previously published as pathogenic or benign to our knowledge

NM_031407.7(HUWE1):c.3489C>G (p.His1163Gln)

Gene: HUWE1 (HECT, UBA and WWE domain containing E3 ubiquitin protein ligase 1; minus strand). Cytogenetic location: Xp11.22.
Variant type: single nucleotide variant.
Coding change: c.3489C>G on transcript NM_031407.7 (MANE Select); coding-DNA position 3489, C replaced by G.
Protein change: p.His1163Gln; replaces histidine 1163 with glutamine.
Molecular consequence: missense variant.
Genome position (GRCh38, 1-based): chrX:53,594,513, G>C on the plus strand (C>G on the coding strand, the complement: HUWE1 is on the minus strand). VCF-style: chrX-53594513-G-C. GRCh37 (hg19) VCF-style: chrX-53621473-G-C.
Other names: short protein forms H1163Q.
Identifiers: ClinVar variation 1304149 (VCV001304149.2), dbSNP rs2148491261, ClinGen allele CA413178557.
Genomic context (GRCh38, chrX:53,594,513, plus strand): 5'-ATCAAACTCCAAGAAATGCTCCTCTGTGAAGCAACTTGATCCTTACTCAAAAAGAGCATT[G>C]TGGCCTCCGGAGCAGAGAAATTTTTGCAGCATGAGGTGGTAGGGATACTTCCTCTCATCA-3'
Protein context (NP_113584.3, residues 1153-1173): MLQKFLCSGG[His1163Gln]NALFETFNWA